The following is an entry in ClinVar:

NM_005188.4(CBL):c.106C>T (p.His36Tyr)

Genes: CBL (Cbl proto-oncogene; plus strand), LOC130006895 (ATAC-STARR-seq lymphoblastoid silent region 3975; plus strand). Cytogenetic location: 11q23.3.
Variant type: single nucleotide variant.
Coding change: c.106C>T on transcript NM_005188.4 (MANE Select); coding-DNA position 106, C replaced by T.
Protein change: p.His36Tyr; replaces histidine 36 with tyrosine.
Molecular consequence: missense variant.
Genome position (GRCh38, 1-based): chr11:119,206,523, C>T. VCF-style: chr11-119206523-C-T. GRCh37 (hg19) VCF-style: chr11-119077233-C-T.
Other names: short protein forms H36Y.
Identifiers: ClinVar variation 5033754 (VCV005033754.1).

ClinVar aggregate classification (germline): Uncertain significance (1 of 4 stars; one submission).

Conditions:
Cardiovascular phenotype. Identifiers: MedGen CN230736.

Submission:

Ambry Genetics
Classification: Uncertain significance for Cardiovascular phenotype. Last evaluated: 2026-07-24. Review status: criteria provided, single submitter. Criteria: Ambry Variant Classification Scheme 2023. Collection method: clinical testing. Allele origin: germline.
Comment: The p.H36Y variant (also known as c.106C>T), located in coding exon 1 of the CBL gene, results from a C to T substitution at nucleotide position 106. The histidine at codon 36 is replaced by tyrosine, an amino acid with similar properties. This amino acid position is conserved. In addition, this alteration is predicted to be tolerated by in silico analysis. Based on the available evidence, the clinical significance of this variant remains unclear.